The following is an entry in ClinVar:

ClinVar aggregate classification (germline): Uncertain significance (1 of 4 stars; one submission).

Allele frequency attached by ClinVar (database versions not stated): TOPMed below 0.00001; gnomAD exomes 0.00001 and 0.00002; ExAC 0.00003.
gnomAD v4.1: 8 of 1,614,176 alleles (0.0005%); highest among the groups gnomAD compares: South Asian, 0.0011%; no homozygotes.

Submission:

Labcorp Genetics (formerly Invitae), Labcorp
Classification: Uncertain significance. Last evaluated: 2024-02-24. Review status: criteria provided, single submitter. Criteria: Invitae Variant Classification Sherloc (09022015). Collection method: clinical testing. Allele origin: germline.
Comment: This sequence change replaces proline, which is neutral and non-polar, with leucine, which is neutral and non-polar, at codon 339 of the DHX38 protein (p.Pro339Leu). This variant is present in population databases (rs749400680, gnomAD 0.004%). This variant has not been reported in the literature in individuals affected with DHX38-related conditions. ClinVar contains an entry for this variant (Variation ID: 1400718). Advanced modeling of protein sequence and biophysical properties (such as structural, functional, and spatial information, amino acid conservation, physicochemical variation, residue mobility, and thermodynamic stability) has been performed at Invitae for this missense variant, however the output from this modeling did not meet the statistical confidence thresholds required to predict the impact of this variant on DHX38 protein function. In summary, the available evidence is currently insufficient to determine the role of this variant in disease. Therefore, it has been classified as a Variant of Uncertain Significance.

NM_014003.4(DHX38):c.1016C>T (p.Pro339Leu)

Gene: DHX38 (DEAH-box helicase 38; plus strand). Cytogenetic location: 16q22.2.
Variant type: single nucleotide variant.
Coding change: c.1016C>T on transcript NM_014003.4 (MANE Select); coding-DNA position 1016, C replaced by T.
Protein change: p.Pro339Leu; replaces proline 339 with leucine.
Molecular consequence: missense variant.
Genome position (GRCh38, 1-based): chr16:72,099,787, C>T. VCF-style: chr16-72099787-C-T. GRCh37 (hg19) VCF-style: chr16-72133686-C-T.
Other names: short protein forms P339L.
Identifiers: ClinVar variation 1400718 (VCV001400718.8), dbSNP rs749400680, ClinGen allele CA8160176.